The following is an entry in ClinVar:

ClinVar aggregate classification (germline): Uncertain significance. Review status: criteria provided, multiple submitters, no conflicts (2 of 4 stars). 3 submissions from 3 submitters: Uncertain significance (3). Last evaluated 2023-10-02.

Conditions:
Inborn genetic diseases. Identifiers: MedGen C0950123, MeSH D030342.
Macrothrombocytopenia and granulocyte inclusions with or without nephritis or sensorineural hearing loss (MATINS). Also called: BLEEDING DISORDER, PLATELET-TYPE, 6; DOHLE LEUKOCYTE INCLUSIONS WITH GIANT PLATELETS; MAY-HEGGLIN ANOMALY; SEBASTIAN PLATELET SYNDROME; MACROTHROMBOCYTOPENIA WITH DISPERSED LEUKOCYTIC INCLUSIONS; MACROTHROMBOCYTOPENIA, NEPHRITIS, AND DEAFNESS. Identifiers: Orphanet 182050, MedGen C5200934, MONDO:0015912, OMIM 155100.
Autosomal dominant nonsyndromic hearing loss 17. Also called: Deafness, autosomal dominant 17; Autosomal dominant nonsyndromic deafness 17. Identifiers: Orphanet 90635, MedGen C1863659, MONDO:0011350, OMIM 603622.

Allele frequency attached by ClinVar (database versions not stated): ExAC 0.00001.
gnomAD v4.1: 11 of 1,613,856 alleles (0.00068%); highest among the groups gnomAD compares: South Asian, 0.0044%; no homozygotes.

Submissions (3):

Ambry Genetics
Classification: Uncertain significance for Inborn genetic diseases. Last evaluated: 2023-10-02. Review status: criteria provided, single submitter. Criteria: Ambry Variant Classification Scheme 2023. Collection method: clinical testing. Allele origin: germline.

Fulgent Genetics
Classification: Uncertain significance for Macrothrombocytopenia and granulocyte inclusions with or without nephritis or sensorineural hearing loss; Autosomal dominant nonsyndromic hearing loss 17. Last evaluated: 2022-03-16. Review status: criteria provided, single submitter. Criteria: ACMG Guidelines, 2015. Collection method: clinical testing. Allele origin: unknown.

GeneDx
Classification: Uncertain significance. Last evaluated: 2019-12-03. Review status: criteria provided, single submitter. Criteria: GeneDx Variant Classification Process June 2021. Collection method: clinical testing. Allele origin: germline. Affected: yes.
Comment: In silico analysis, which includes protein predictors and evolutionary conservation, supports a deleterious effect; Has not been previously published as pathogenic or benign to our knowledge

NM_002473.6(MYH9):c.2296G>A (p.Gly766Ser)

Gene: MYH9 (myosin heavy chain 9; minus strand). Cytogenetic location: 22q12.3.
Variant type: single nucleotide variant.
Coding change: c.2296G>A on transcript NM_002473.6 (MANE Select); coding-DNA position 2296, G replaced by A.
Protein change: p.Gly766Ser; replaces glycine 766 with serine.
Molecular consequence: missense variant.
Genome position (GRCh38, 1-based): chr22:36,304,089, C>T on the plus strand (G>A on the coding strand, the complement: MYH9 is on the minus strand). VCF-style: chr22-36304089-C-T. GRCh37 (hg19) VCF-style: chr22-36700135-C-T.
Other names: short protein forms G766S.
Identifiers: ClinVar variation 1310780 (VCV001310780.4), dbSNP rs757850500, ClinGen allele CA10210015.